The following is an entry in ClinVar:

ClinVar aggregate classification (germline): Likely benign (0 of 4 stars; one submission).

Conditions:
WDR37-related disorder. Also called: WDR37-related condition.

Allele frequency attached by ClinVar (database versions not stated): gnomAD 0.00001; gnomAD exomes 0.00001; TOPMed 0.00001.
gnomAD v4.1: 9 of 1,612,988 alleles (0.00056%); highest among the groups gnomAD compares: African/African-American, 0.0027%; no homozygotes.

Submission:

PreventionGenetics, part of Exact Sciences
Classification: Likely benign for WDR37-related condition. Last evaluated: 2022-10-25. Review status: no assertion criteria provided. Collection method: clinical testing. Allele origin: germline.
Comment: This variant is classified as likely benign based on ACMG/AMP sequence variant interpretation guidelines (Richards et al. 2015 PMID: 25741868, with internal and published modifications).

NM_014023.4(WDR37):c.138+10G>A

Gene: WDR37 (WD repeat domain 37; plus strand). Cytogenetic location: 10p15.3.
Variant type: single nucleotide variant.
Coding change: c.138+10G>A on transcript NM_014023.4 (MANE Select); 10 bases into the intron after coding-DNA position 138, G replaced by A.
Molecular consequence: intron variant.
Genome position (GRCh38, 1-based): chr10:1,072,303, G>A. VCF-style: chr10-1072303-G-A. GRCh37 (hg19) VCF-style: chr10-1118243-G-A.
Identifiers: ClinVar variation 3054836 (VCV003054836.2), dbSNP rs1348329260, ClinGen allele CA590969978.